The following is an entry in ClinVar:

NM_018426.3(TMEM63B):c.259G>T (p.Asp87Tyr)

Gene: TMEM63B (transmembrane protein 63B; plus strand). Cytogenetic location: 6p21.1.
Variant type: single nucleotide variant.
Coding change: c.259G>T on transcript NM_018426.3 (MANE Select); coding-DNA position 259, G replaced by T.
Protein change: p.Asp87Tyr; replaces aspartic acid 87 with tyrosine.
Molecular consequence: missense variant.
Genome position (GRCh38, 1-based): chr6:44,135,347, G>T. VCF-style: chr6-44135347-G-T. GRCh37 (hg19) VCF-style: chr6-44103084-G-T.
Other names: c.259G>T, p.Asp87Tyr (NM_001318792.1); short protein forms D87Y.
Identifiers: ClinVar variation 2579347 (VCV002579347.1), dbSNP rs2481987468, ClinGen allele CA364295293.

ClinVar aggregate classification (germline): Uncertain significance (1 of 4 stars; one submission).

Submission:

GeneDx
Classification: Uncertain significance. Last evaluated: 2023-02-01. Review status: criteria provided, single submitter. Criteria: GeneDx Variant Classification Process June 2021. Collection method: clinical testing. Allele origin: germline. Affected: yes.
Comment: Not observed at significant frequency in large population cohorts (gnomAD); In silico analysis supports that this missense variant has a deleterious effect on protein structure/function; In silico analysis supports that this missense variant does not alter protein structure/function; Has not been previously published as pathogenic or benign to our knowledge; Variants in candidate genes are classified as variants of uncertain significance in accordance with ACMG guidelines (Richards et al., 2015)